The following is an entry in ClinVar:

NM_000388.4(CASR):c.2303G>T (p.Gly768Val)

Gene: CASR (calcium sensing receptor; plus strand). Cytogenetic location: 3q21.1.
Variant type: single nucleotide variant.
Coding change: c.2303G>T on transcript NM_000388.4 (MANE Select); coding-DNA position 2303, G replaced by T.
Protein change: p.Gly768Val; replaces glycine 768 with valine.
Molecular consequence: missense variant.
Genome position (GRCh38, 1-based): chr3:122,284,257, G>T. VCF-style: chr3-122284257-G-T. GRCh37 (hg19) VCF-style: chr3-122003104-G-T.
Other names: c.2333G>T (NM_001178065.1); c.2333G>T, p.Gly778Val (NM_001178065.2); short protein forms G768V, G778V.
Identifiers: ClinVar variation 633483 (VCV000633483.15), dbSNP rs201858689, ClinGen allele CA2569812.

ClinVar aggregate classification (germline): Conflicting classifications of pathogenicity. Review status: criteria provided, conflicting classifications (1 of 4 stars). 8 submissions from 8 submitters: Likely pathogenic (2); Uncertain significance (5). 1 of the submissions does not count toward it. Last evaluated 2024-02-03.

Conditions:
Familial hypocalciuric hypercalcemia (FHH). Also called: Familial benign hypercalcemia. Identifiers: Orphanet 405, MedGen C1809471, MONDO:0018458.
Autosomal dominant hypocalcemia 1 (HYPOC1). Also called: HYPOCALCEMIA, FAMILIAL. Identifiers: MedGen C3715128, MONDO:0011013, OMIM 601198.
Nephrolithiasis/nephrocalcinosis. Identifiers: MedGen CN580796.
Neonatal severe primary hyperparathyroidism. Identifiers: Orphanet 417, MedGen C1832615, MONDO:0009397, OMIM 239200.
Epilepsy, idiopathic generalized, susceptibility to, 8. Identifiers: MedGen C2752062, MONDO:0013032, OMIM 612899.
Familial hypocalciuric hypercalcemia 1. Also called: Hypercalcemia, familial benign type 1. Identifiers: Orphanet 405, Orphanet 93372, MedGen C0342637, MONDO:0007791, OMIM 145980.
CASR-related disorder. Also called: CASR-related condition.

Allele frequency attached by ClinVar (database versions not stated): gnomAD 0.00001; gnomAD exomes 0.00002 and 0.00003; ExAC 0.00004; 1000 Genomes Project 30x 0.00016; 1000 Genomes Project 0.00020.
gnomAD v4.1: 34 of 1,614,024 alleles (0.0021%); highest among the groups gnomAD compares: South Asian, 0.03%; no homozygotes.

Submissions (8):

Labcorp Genetics (formerly Invitae), Labcorp
Classification: Uncertain significance for Familial hypocalciuric hypercalcemia; Autosomal dominant hypocalcemia 1. Last evaluated: 2024-02-03. Review status: criteria provided, single submitter. Criteria: Invitae Variant Classification Sherloc (09022015). Collection method: clinical testing. Allele origin: germline.
Comment: This sequence change replaces glycine, which is neutral and non-polar, with valine, which is neutral and non-polar, at codon 768 of the CASR protein (p.Gly768Val). This variant is present in population databases (rs201858689, gnomAD 0.02%). This missense change has been observed in individual(s) with CASR-related disease and neonatal severe primary hyperparathyroidism (NSHPT) (PMID: 22422767, 24854525). It has also been observed to segregate with disease in related individuals. ClinVar contains an entry for this variant (Variation ID: 633483). An algorithm developed to predict the effect of missense changes on protein structure and function (PolyPhen-2) suggests that this variant is likely to be disruptive. Experimental studies are conflicting or provide insufficient evidence to determine the effect of this variant on CASR function (PMID: 24854525). In summary, the available evidence is currently insufficient to determine the role of this variant in disease. Therefore, it has been classified as a Variant of Uncertain Significance.

Fulgent Genetics
Classification: Likely pathogenic for Familial hypocalciuric hypercalcemia 1; Neonatal severe primary hyperparathyroidism; Autosomal dominant hypocalcemia 1; Epilepsy, idiopathic generalized, susceptibility to, 8. Last evaluated: 2024-01-31. Review status: criteria provided, single submitter. Criteria: ACMG Guidelines, 2015. Collection method: clinical testing. Allele origin: germline.

Ambry Genetics
Classification: Uncertain significance for Nephrolithiasis/nephrocalcinosis. Last evaluated: 2024-01-16. Review status: criteria provided, single submitter. Criteria: Ambry Variant Classification Scheme 2023. Collection method: clinical testing. Allele origin: germline.
Comment: The p.G768V variant (also known as c.2303G>T), located in coding exon 6 of the CASR gene, results from a G to T substitution at nucleotide position 2303. The glycine at codon 768 is replaced by valine, an amino acid with dissimilar properties. In one study, this variant was identified in a cohort of patients with neonatal severe primary hyperparathyroidism (Hannan FM et al. Hum Mol Genet, 2012 Jun;21:2768-78). In another study, this variant was reported as homozygous in two siblings with neonatal severe primary hyperparathyroidism (Diaz-Thomas A et al. J Pediatr Endocrinol Metab, 2014 Sep;27:851-6). This amino acid position is highly conserved in available vertebrate species. In addition, this alteration is predicted to be deleterious by in silico analysis. In addition, the evidence for the gene-disease relationship is limited for pancreatitis and cancer predisposition; therefore, the clinical significance of this variant for CASR-related pancreatitis and cancer predisposition is unclear. Since supporting evidence is limited at this time, the clinical significance of this alteration remains unclear.

Revvity Omics, Revvity
Classification: Uncertain significance. Last evaluated: 2023-12-27. Review status: criteria provided, single submitter. Criteria: ACMG Guidelines, 2015. Collection method: clinical testing. Allele origin: germline.

PreventionGenetics, part of Exact Sciences
Classification: Likely pathogenic for CASR-related condition. Last evaluated: 2023-06-23. Review status: criteria provided, single submitter. Criteria: ACMG Guidelines, 2015. Collection method: clinical testing. Allele origin: germline.
Comment: The CASR c.2333G>T variant is predicted to result in the amino acid substitution p.Gly778Val. This variant was reported in the homozygous state in two siblings with neonatal severe hyperparathyroidism and both unaffected parents were confirmed to be heterozygous for this variant (Reported as c.2303G>T, p.Gly768Val; Diaz-Thomas et al. 2014. PubMed ID: 24854525). Cell based functional studies suggest that this variant does not interfere with protein generation or migration to the cell membrane (Diaz-Thomas et al. 2014. PubMed ID: 24854525). The c.2333G>T was also reported in the homozygous state in an additional individual with neonatal severe primary hyperparathyroidism (NSHPH) (Reported as c.2303G>T; p.G768V in Hannan et al. 2012. PubMed ID: 22422767). This variant is reported to occur in the extracellular loop 2 domain and predicted to disrupt the protein structure in this region (Gorvin M. 2019. PubMed ID: 31189130). This variant is reported in 0.023% of alleles in individuals of South Asian descent in gnomAD. We interpret this variant as likely pathogenic.

Blueprint Genetics
Classification: Uncertain significance. Last evaluated: 2023-05-30. Review status: criteria provided, single submitter. Criteria: ACMG Guidelines, 2015. Collection method: clinical testing. Allele origin: germline.

GeneDx
Classification: Uncertain significance. Last evaluated: 2021-02-25. Review status: criteria provided, single submitter. Criteria: GeneDx Variant Classification Process June 2021. Collection method: clinical testing. Allele origin: germline. Affected: yes.
Comment: In vitro functional studies observed no difference in protein expression or localization compared to wild type (Diaz-Thomas et al., 2014); In silico analysis supports that this missense variant has a deleterious effect on protein structure/function; This variant is associated with the following publications: (PMID: 31189130, 24854525, 22422767)

Clinical Molecular Genetics Laboratory, Johns Hopkins All Children's Hospital
Classification: Pathogenic for Neonatal severe hyperparathyroidism. Last evaluated: 2007-02-01. Review status: no assertion criteria provided. Collection method: clinical testing. Allele origin: germline. Affected: yes. Not counted in ClinVar's aggregate classification.

Literature cited by the submitters: PubMed 22422767 (cited by Labcorp Genetics (formerly Invitae), Labcorp and Ambry Genetics); PubMed 24854525 (cited by 3 submitters); PubMed 31189130 (cited by Ambry Genetics).